The following is an entry in ClinVar:

ClinVar aggregate classification (germline): Benign/Likely benign. Review status: criteria provided, multiple submitters, no conflicts (2 of 4 stars). 15 submissions from 12 submitters: Benign (10); Likely benign (2). 3 of the submissions do not count toward it. Last evaluated 2026-02-04.

Conditions:
Cardiac arrhythmia. Also called: Arrhythmia; Cardiac rhythm disease. Identifiers: MedGen C0003811, MONDO:0007263, HP:0011675.
Long QT syndrome (LQTS). Identifiers: MedGen C0023976, MeSH D008133, MONDO:0002442. Disease mechanism: loss of function. Inheritance: Various modes of inheritance.
Short QT syndrome type 2. Identifiers: Orphanet 51083, MedGen C1865019, MONDO:0012313, OMIM 609621.
Jervell and Lange-Nielsen syndrome 1 (JLNS1). Also called: CARDIOAUDITORY SYNDROME OF JERVELL AND LANGE-NIELSEN; DEAFNESS, CONGENITAL, AND FUNCTIONAL HEART DISEASE; PROLONGED QT INTERVAL IN EKG AND SUDDEN DEATH; SURDO-CARDIAC SYNDROME. Identifiers: Orphanet 768, Orphanet 90647, MedGen C4551509, MONDO:0024540, OMIM 220400.
Atrial fibrillation, familial, 3 (ATFB3). Identifiers: MedGen C1837014, MONDO:0011857, OMIM 607554.
Long QT syndrome 1 (LQT1). Identifiers: Orphanet 101016, Orphanet 768, MedGen C4551647, MONDO:0100316, OMIM 192500, MONDO:0008646.

Allele frequency attached by ClinVar (database versions not stated): gnomAD 0.01027 and 0.01081; TOPMed 0.01038; ESP Exome Variant Server 0.01046; ExAC 0.01077; gnomAD exomes 0.01090 and 0.01485; 1000 Genomes Project 0.01298; 1000 Genomes Project 30x 0.01359.
gnomAD v4.1: 23,294 of 1,614,106 alleles (1.4%); highest among the groups gnomAD compares: East Asian, 3.8%; 206 homozygotes.

Submissions (15):

Labcorp Genetics (formerly Invitae), Labcorp
Classification: Benign for Long QT syndrome. Last evaluated: 2026-02-04. Review status: criteria provided, single submitter. Criteria: Invitae Variant Classification Sherloc (09022015). Collection method: clinical testing. Allele origin: germline.

ARUP Laboratories, Molecular Genetics and Genomics, ARUP Laboratories
Classification: Benign. Last evaluated: 2025-05-29. Review status: criteria provided, single submitter. Criteria: ARUP Molecular Germline Variant Investigation Process 2024. Collection method: clinical testing. Allele origin: germline.

Blueprint Genetics
Classification: Likely benign. Last evaluated: 2024-11-25. Review status: criteria provided, single submitter. Criteria: ACMG Guidelines, 2015. Collection method: clinical testing. Allele origin: germline.

Women's Health and Genetics/Laboratory Corporation of America, LabCorp
Classification: Benign. Last evaluated: 2019-08-12. Review status: criteria provided, single submitter. Criteria: LabCorp Variant Classification Summary - May 2015. Collection method: clinical testing. Allele origin: germline.
Comment: Variant summary: KCNQ1 c.1394-14C>T alters a non-conserved nucleotide located close to a canonical splice site and therefore could affect mRNA splicing, leading to a significantly altered protein sequence. 5/5 computational tools predict no significant impact on normal splicing. However, these predictions have yet to be confirmed by functional studies. The variant allele was found at a frequency of 0.011 in 251268 control chromosomes, predominantly at a frequency of 0.044 within the East Asian subpopulation in the gnomAD database, including 21 homozygotes. The observed variant frequency within East Asian control individuals in the gnomAD database is approximately 440-folds over the estimated maximal expected allele frequency for a pathogenic variant in KCNQ1 causing Arrhythmia phenotype (0.0001), strongly suggesting that the variant is a benign polymorphism found primarily in populations of East Asian origin. Two ClinVar submissions (evaluation after 2014) cite the variant once as benign and once as likely benign. Based on the evidence outlined above, the variant was classified as benign.

Color Diagnostics, LLC DBA Color Health
Classification: Benign for Arrhythmia. Last evaluated: 2018-03-19. Review status: criteria provided, single submitter. Criteria: ACMG Guidelines, 2015. Collection method: clinical testing. Allele origin: germline.

Illumina Laboratory Services, Illumina
Classification: Benign for Long QT syndrome 1. Last evaluated: 2018-01-13. Review status: criteria provided, single submitter. Criteria: ICSL Variant Classification Criteria 13 December 2019. Collection method: clinical testing. Allele origin: germline.
Comment: This variant was observed in the ICSL laboratory as part of a predisposition screen in an ostensibly healthy population. It had not been previously curated by ICSL or reported in the Human Gene Mutation Database (HGMD: prior to June 1st, 2018), and was therefore a candidate for classification through an automated scoring system. Utilizing variant allele frequency, disease prevalence and penetrance estimates, and inheritance mode, an automated score was calculated to assess if this variant is too frequent to cause the disease. Based on the score and internal cut-off values, a variant classified as benign is not then subjected to further curation. The score for this variant resulted in a classification of benign for this disease.

Illumina Laboratory Services, Illumina
Classification: Likely benign for Atrial fibrillation, familial, 3. Last evaluated: 2018-01-13. Review status: criteria provided, single submitter. Criteria: ICSL Variant Classification Criteria 13 December 2019. Collection method: clinical testing. Allele origin: germline.
Comment: This variant was observed in the ICSL laboratory as part of a predisposition screen in an ostensibly healthy population. It had not been previously curated by ICSL or reported in the Human Gene Mutation Database (HGMD: prior to June 1st, 2018), and was therefore a candidate for classification through an automated scoring system. Utilizing variant allele frequency, disease prevalence and penetrance estimates, and inheritance mode, an automated score was calculated to assess if this variant is too frequent to cause the disease. Based on the score and internal cut-off values, a variant classified as likely benign is not then subjected to further curation. The score for this variant resulted in a classification of likely benign for this disease.

Illumina Laboratory Services, Illumina
Classification: Benign for Jervell and Lange-Nielsen syndrome 1. Last evaluated: 2018-01-13. Review status: criteria provided, single submitter. Criteria: ICSL Variant Classification Criteria 13 December 2019. Collection method: clinical testing. Allele origin: germline.
Comment: the same text as in the submission from Illumina Laboratory Services, Illumina above.

Illumina Laboratory Services, Illumina
Classification: Benign for Short QT syndrome type 2. Last evaluated: 2018-01-13. Review status: criteria provided, single submitter. Criteria: ICSL Variant Classification Criteria 13 December 2019. Collection method: clinical testing. Allele origin: germline.
Comment: the same text as in the submission from Illumina Laboratory Services, Illumina above.

GeneDx
Classification: Benign. Last evaluated: 2015-03-03. Review status: criteria provided, single submitter. Criteria: GeneDx Variant Classification Process June 2021. Collection method: clinical testing. Allele origin: germline. Affected: yes.

Laboratory for Molecular Medicine, Mass General Brigham Personalized Medicine
Classification: Benign. Last evaluated: 2012-04-30. Review status: criteria provided, single submitter. Criteria: LMM Criteria. Collection method: clinical testing. Allele origin: germline. Observed: 27 variant alleles.
Comment: 1394-14C>T in Intron 10 of KCNQ1: This variant is not expected to have clinical significance because it has been identified in 1.5% (106/7020) of European Ameri can chromosomes from a broad population by the NHLBI Exome Sequencing Project (dbSNP rs28730758).

PreventionGenetics, part of Exact Sciences
Classification: Benign. Review status: criteria provided, single submitter. Criteria: ACMG Guidelines, 2015. Collection method: clinical testing. Allele origin: germline.

Clinical Genetics, Academic Medical Center
Classification: Benign. Review status: no assertion criteria provided. Collection method: clinical testing. Allele origin: germline. Affected: yes. Study: VKGL Data-share Consensus. Not counted in ClinVar's aggregate classification.

Genome Diagnostics Laboratory, University Medical Center Utrecht
Classification: Benign. Review status: no assertion criteria provided. Collection method: clinical testing. Allele origin: germline. Affected: yes. Study: VKGL Data-share Consensus. Not counted in ClinVar's aggregate classification.

Joint Genome Diagnostic Labs from Nijmegen and Maastricht, Radboudumc and MUMC+
Classification: Benign. Review status: no assertion criteria provided. Collection method: clinical testing. Allele origin: germline. Affected: yes. Study: VKGL Data-share Consensus. Not counted in ClinVar's aggregate classification.

NM_000218.3(KCNQ1):c.1394-14C>T

Genes: KCNQ1 (potassium voltage-gated channel subfamily Q member 1; plus strand), KCNQ1OT1 (KCNQ1 opposite strand/antisense transcript 1; minus strand). Cytogenetic location: 11p15.5.
Variant type: single nucleotide variant.
Coding change: c.1394-14C>T on transcript NM_000218.3 (MANE Select); 14 bases into the intron before coding-DNA position 1394, C replaced by T.
Molecular consequence: intron variant.
Genome position (GRCh38, 1-based): chr11:2,661,947, C>T. VCF-style: chr11-2661947-C-T. GRCh37 (hg19) VCF-style: chr11-2683177-C-T.
Other names: c.1124-14C>T (NM_001406837.1); c.1298-14C>T (NM_001406836.1); c.854-14C>T (NM_001406838.1); c.1013-14C>T (NM_181798.2).
Identifiers: ClinVar variation 42485 (VCV000042485.38), dbSNP rs28730758, ClinGen allele CA005722.